The following is an entry in ClinVar:

ClinVar aggregate classification (germline): Likely pathogenic (1 of 4 stars; one submission).

Conditions:
Short-rib thoracic dysplasia 14 with polydactyly (SRTD14). Identifiers: Orphanet 397715, MedGen C4225286, MONDO:0014688, OMIM 616546.
Joubert syndrome 23 (JBTS23). Identifiers: Orphanet 475, MedGen C4084822, MONDO:0014664, OMIM 616490.

Submission:

Labcorp Genetics (formerly Invitae), Labcorp
Classification: Likely pathogenic for Joubert syndrome 23; Short-rib thoracic dysplasia 14 with polydactyly. Last evaluated: 2025-07-06. Review status: criteria provided, single submitter. Criteria: Invitae Variant Classification Sherloc (09022015). Collection method: clinical testing. Allele origin: germline.
Comment: This sequence change affects an acceptor splice site in intron 4 of the KIAA0586 gene. It is expected to disrupt RNA splicing. Variants that disrupt the donor or acceptor splice site typically lead to a loss of protein function (PMID: 16199547), and loss-of-function variants in KIAA0586 are known to be pathogenic (PMID: 26096313, 26166481, 26386044). This variant is not present in population databases (gnomAD no frequency). This variant has not been reported in the literature in individuals affected with KIAA0586-related conditions. Algorithms developed to predict the effect of sequence changes on RNA splicing suggest that this variant may disrupt the consensus splice site. In summary, the currently available evidence indicates that the variant is pathogenic, but additional data are needed to prove that conclusively. Therefore, this variant has been classified as Likely Pathogenic.

Literature cited by the submitters: PubMed 16199547; PubMed 26096313; PubMed 26166481; PubMed 26386044.

NM_001329943.3(KIAA0586):c.341-2A>C

Gene: KIAA0586 (KIAA0586; plus strand). Cytogenetic location: 14q23.1.
Variant type: single nucleotide variant.
Coding change: c.341-2A>C on transcript NM_001329943.3 (MANE Select); the canonical splice acceptor site of the intron before coding-DNA position 341, A replaced by C.
Molecular consequence: splice acceptor variant.
Genome position (GRCh38, 1-based): chr14:58,432,386, A>C. VCF-style: chr14-58432386-A-C. GRCh37 (hg19) VCF-style: chr14-58899104-A-C.
Other names: c.377-2A>C (NM_001244189.2); c.296-2A>C (NM_001244190.2); c.86-2A>C (NM_001244192.2, NM_001244191.2, NM_001364701.2 and 2 more transcripts); c.341-2A>C (NM_001329944.2, NM_001329946.2, NM_001329947.2 and 1 more transcripts).
Identifiers: ClinVar variation 4785497 (VCV004785497.1).